The following is an entry in ClinVar:

ClinVar aggregate classification (germline): Uncertain significance. Review status: criteria provided, multiple submitters, no conflicts (2 of 4 stars). 3 submissions from 3 submitters: Uncertain significance (3). Last evaluated 2022-07-11.

Allele frequency attached by ClinVar (database versions not stated): gnomAD exomes below 0.00001; TOPMed 0.00001.

Submissions (3):

Labcorp Genetics (formerly Invitae), Labcorp
Classification: Uncertain significance. Last evaluated: 2022-07-11. Review status: criteria provided, single submitter. Criteria: Invitae Variant Classification Sherloc (09022015). Collection method: clinical testing. Allele origin: germline.
Comment: This sequence change replaces alanine, which is neutral and non-polar, with glycine, which is neutral and non-polar, at codon 67 of the TPP1 protein (p.Ala67Gly). This variant is present in population databases (rs796053435, gnomAD 0.003%). This variant has not been reported in the literature in individuals affected with TPP1-related conditions. ClinVar contains an entry for this variant (Variation ID: 207566). Advanced modeling of protein sequence and biophysical properties (such as structural, functional, and spatial information, amino acid conservation, physicochemical variation, residue mobility, and thermodynamic stability) performed at Invitae indicates that this missense variant is not expected to disrupt TPP1 protein function. Algorithms developed to predict the effect of sequence changes on RNA splicing suggest that this variant may disrupt the consensus splice site. In summary, the available evidence is currently insufficient to determine the role of this variant in disease. Therefore, it has been classified as a Variant of Uncertain Significance.

Revvity Omics, Revvity
Classification: Uncertain significance. Last evaluated: 2021-03-16. Review status: criteria provided, single submitter. Criteria: ACMG Guidelines, 2015. Collection method: clinical testing. Allele origin: germline.

GeneDx
Classification: Uncertain significance. Last evaluated: 2015-03-10. Review status: criteria provided, single submitter. Criteria: GeneDx Variant Classification (06012015). Collection method: clinical testing. Allele origin: germline. Affected: yes.
Comment: p.Ala67Gly (GCT>GGT): c.200 C>G in exon 3 of the TPP1 gene (NM_000391.3) c.200 C>G nucleotide substitution has not been published as a mutation, nor has it been reported as a benign polymorphism to our knowledge. Multiple in silico algorithms predict it may create a new cryptic splice donor site in exon 3; however, in the absence of RNA/functional studies the actual effect of c.200 C>G on splicing is unknown. If c.200 C>G does not alter splicing, it will result in the Ala67Gly missense change, which is a conservative substitution as Alanine and Glycine are both uncharged, non-polar amino acids. It alters a position that is not conserved across species, and in silico analysis predicts Ala67Gly likely has a benign effect on the protein structure/function. Therefore, based on the currently available information, it is unclear whether c.200 C>G is a disease-causing mutation or a rare benign variant. This missense variant is interpreted to be of unknown clinical significance. The variant is found in EPILEPSY panel(s).

NM_000391.4(TPP1):c.200C>G (p.Ala67Gly)

Gene: TPP1 (tripeptidyl peptidase 1; minus strand). Cytogenetic location: 11p15.4.
Variant type: single nucleotide variant.
Coding change: c.200C>G on transcript NM_000391.4 (MANE Select); coding-DNA position 200, C replaced by G.
Protein change: p.Ala67Gly; replaces alanine 67 with glycine.
Molecular consequence: missense variant.
Genome position (GRCh38, 1-based): chr11:6,618,805, G>C on the plus strand (C>G on the coding strand, the complement: TPP1 is on the minus strand). VCF-style: chr11-6618805-G-C. GRCh37 (hg19) VCF-style: chr11-6640036-G-C.
Other names: p.A67G:GCT>GGT; short protein forms A67G.
Identifiers: ClinVar variation 207566 (VCV000207566.6), dbSNP rs796053435, ClinGen allele CA319160.